The following is an entry in ClinVar:

ClinVar aggregate classification (germline): Uncertain significance (1 of 4 stars; one submission).

Conditions:
Familial thoracic aortic aneurysm and aortic dissection (TAAD). Also called: Thoracic aortic aneurysms and dissections. Identifiers: Orphanet 91387, MedGen C4707243, MONDO:0019625.

Submission:

Ambry Genetics
Classification: Uncertain significance for Familial thoracic aortic aneurysm and aortic dissection. Last evaluated: 2024-01-13. Review status: criteria provided, single submitter. Criteria: Ambry Variant Classification Scheme 2023. Collection method: clinical testing. Allele origin: germline.
Comment: The p.A915S variant (also known as c.2743G>T), located in coding exon 21 of the MYH11 gene, results from a G to T substitution at nucleotide position 2743. The alanine at codon 915 is replaced by serine, an amino acid with similar properties. This amino acid position is conserved. In addition, this alteration is predicted to be tolerated by in silico analysis. Since supporting evidence is limited at this time, the clinical significance of this alteration remains unclear.

NM_002474.3(MYH11):c.2743G>T (p.Ala915Ser)

Gene: MYH11 (myosin heavy chain 11; minus strand). Cytogenetic location: 16p13.11.
Variant type: single nucleotide variant.
Coding change: c.2743G>T on transcript NM_002474.3 (MANE Select); coding-DNA position 2743, G replaced by T.
Protein change: p.Ala915Ser; replaces alanine 915 with serine.
Molecular consequence: missense variant.
Genome position (GRCh38, 1-based): chr16:15,741,579, C>A on the plus strand (G>T on the coding strand, the complement: MYH11 is on the minus strand). VCF-style: chr16-15741579-C-A. GRCh37 (hg19) VCF-style: chr16-15835436-C-A.
Other names: c.2764G>T, p.Ala922Ser (NM_001040113.2, NM_001040114.2); c.2743G>T, p.Ala915Ser (NM_022844.3); short protein forms A922S, A915S.
Identifiers: ClinVar variation 1795468 (VCV001795468.2), dbSNP rs2506205612, ClinGen allele CA394865381.
Genomic context (GRCh38, chr16:15,741,579, plus strand): 5'-CCTCCTCCTCCAGGCGGGCCTCCATCTCATGCAGTATCTCCTCCAGCTCCTGCTTCTTGG[C>A]CGCCAGCCGCACCCGCATCTCCTCAGCCTCTGCATACAGCTCTGTCTCTGCCTGCAGCTG-3'
Protein context (NP_002465.1, residues 905-925): EAEEMRVRLA[Ala915Ser]KKQELEEILH